The following is an entry in ClinVar:

ClinVar aggregate classification (germline): Uncertain significance (1 of 4 stars; one submission).

Conditions:
Bardet-Biedl syndrome (BBS). Identifiers: Orphanet 110, MedGen C0752166, MONDO:0015229.

Submission:

Labcorp Genetics (formerly Invitae), Labcorp
Classification: Uncertain significance for Bardet-Biedl syndrome. Last evaluated: 2025-12-15. Review status: criteria provided, single submitter. Criteria: Invitae Variant Classification Sherloc (09022015). Collection method: clinical testing. Allele origin: germline.
Comment: This sequence change replaces valine, which is neutral and non-polar, with leucine, which is neutral and non-polar, at codon 522 of the BBS9 protein (p.Val522Leu). This variant is not present in population databases (gnomAD no frequency). This variant has not been reported in the literature in individuals affected with BBS9-related conditions. Invitae Evidence Modeling of protein sequence and biophysical properties (such as structural, functional, and spatial information, amino acid conservation, physicochemical variation, residue mobility, and thermodynamic stability) has been performed for this missense variant. However, the output from this modeling did not meet the statistical confidence thresholds required to predict the impact of this variant on BBS9 protein function. In summary, the available evidence is currently insufficient to determine the role of this variant in disease. Therefore, it has been classified as a Variant of Uncertain Significance.

NM_198428.3(BBS9):c.1564G>C (p.Val522Leu)

Gene: BBS9 (Bardet-Biedl syndrome 9; plus strand). Cytogenetic location: 7p14.3.
Variant type: single nucleotide variant.
Coding change: c.1564G>C on transcript NM_198428.3 (MANE Select); coding-DNA position 1564, G replaced by C.
Protein change: p.Val522Leu; replaces valine 522 with leucine.
Molecular consequence: missense variant. On other transcripts: non-coding transcript variant (3).
Genome position (GRCh38, 1-based): chr7:33,357,866, G>C. VCF-style: chr7-33357866-G-C. GRCh37 (hg19) VCF-style: chr7-33397478-G-C.
Other names: c.1459G>C, p.Val487Leu (NM_001033604.2); c.1549G>C, p.Val517Leu (NM_001033605.2); c.1564G>C, p.Val522Leu (NM_001348036.1, NM_001348041.4, NM_001348043.3 and 1 more transcripts); c.1198G>C, p.Val400Leu (NM_001348037.3, NM_001348045.3, NM_001348046.3); c.1291G>C, p.Val431Leu (NM_001348038.3); c.1186G>C, p.Val396Leu (NM_001348039.3); c.1444G>C, p.Val482Leu (NM_001348040.3, NM_014451.4); c.1429G>C, p.Val477Leu (NM_001348042.3); and 1 more; short protein forms V396L, V400L, V477L, V482L, V487L, V365L, V517L, V522L.
Identifiers: ClinVar variation 4743051 (VCV004743051.1).